The following is an entry in ClinVar:

NM_001985.3(ETFB):c.631C>T (p.Pro211Ser)

Gene: ETFB (electron transfer flavoprotein subunit beta; minus strand). Cytogenetic location: 19q13.41.
Variant type: single nucleotide variant.
Coding change: c.631C>T on transcript NM_001985.3 (MANE Select); coding-DNA position 631, C replaced by T.
Protein change: p.Pro211Ser; replaces proline 211 with serine.
Molecular consequence: missense variant.
Genome position (GRCh38, 1-based): chr19:51,345,348, G>A on the plus strand (C>T on the coding strand, the complement: ETFB is on the minus strand). VCF-style: chr19-51345348-G-A. GRCh37 (hg19) VCF-style: chr19-51848602-G-A.
Other names: c.904C>T, p.Pro302Ser (NM_001014763.1); short protein forms P211S, P302S.
Identifiers: ClinVar variation 2143445 (VCV002143445.1), dbSNP rs1599837496, ClinGen allele CA407080842.

ClinVar aggregate classification (germline): Uncertain significance (1 of 4 stars; one submission).

Conditions:
Multiple acyl-CoA dehydrogenase deficiency (MADD). Also called: ETHYLMALONIC-ADIPICACIDURIA; GA II; Glutaric Acidemia type 2; Glutaric aciduria, type 2; Glutaric acidemia type II; GA 2. Identifiers: Orphanet 26791, MedGen C0268596, MONDO:0009282, OMIM 231680.

Submission:

Labcorp Genetics (formerly Invitae), Labcorp
Classification: Uncertain significance for Multiple acyl-CoA dehydrogenase deficiency. Last evaluated: 2022-09-10. Review status: criteria provided, single submitter. Criteria: Invitae Variant Classification Sherloc (09022015). Collection method: clinical testing. Allele origin: germline.
Comment: This sequence change replaces proline, which is neutral and non-polar, with serine, which is neutral and polar, at codon 211 of the ETFB protein (p.Pro211Ser). This variant is not present in population databases (gnomAD no frequency). This variant has not been reported in the literature in individuals affected with ETFB-related conditions. Advanced modeling of protein sequence and biophysical properties (such as structural, functional, and spatial information, amino acid conservation, physicochemical variation, residue mobility, and thermodynamic stability) performed at Invitae indicates that this missense variant is not expected to disrupt ETFB protein function. In summary, the available evidence is currently insufficient to determine the role of this variant in disease. Therefore, it has been classified as a Variant of Uncertain Significance.